The following is an entry in ClinVar:

ClinVar aggregate classification (germline): Uncertain significance (1 of 4 stars; one submission).

gnomAD v4.1: 3 of 1,576,896 alleles (0.00019%); highest among the groups gnomAD compares: East Asian, 0.0023%; no homozygotes.

Submission:

Labcorp Genetics (formerly Invitae), Labcorp
Classification: Uncertain significance. Last evaluated: 2025-03-30. Review status: criteria provided, single submitter. Criteria: Invitae Variant Classification Sherloc (09022015). Collection method: clinical testing. Allele origin: germline.
Comment: This sequence change replaces alanine, which is neutral and non-polar, with serine, which is neutral and polar, at codon 409 of the AGPS protein (p.Ala409Ser). This variant is not present in population databases (gnomAD no frequency). This variant has not been reported in the literature in individuals affected with AGPS-related conditions. Invitae Evidence Modeling of protein sequence and biophysical properties (such as structural, functional, and spatial information, amino acid conservation, physicochemical variation, residue mobility, and thermodynamic stability) indicates that this missense variant is not expected to disrupt AGPS protein function with a negative predictive value of 80%. In summary, the available evidence is currently insufficient to determine the role of this variant in disease. Therefore, it has been classified as a Variant of Uncertain Significance.

NM_003659.4(AGPS):c.1225G>T (p.Ala409Ser)

Gene: AGPS (alkylglycerone phosphate synthase; plus strand). Cytogenetic location: 2q31.2.
Variant type: single nucleotide variant.
Coding change: c.1225G>T on transcript NM_003659.4 (MANE Select); coding-DNA position 1225, G replaced by T.
Protein change: p.Ala409Ser; replaces alanine 409 with serine.
Molecular consequence: missense variant.
Genome position (GRCh38, 1-based): chr2:177,482,178, G>T. VCF-style: chr2-177482178-G-T. GRCh37 (hg19) VCF-style: chr2-178346906-G-T.
Other names: short protein forms A409S.
Identifiers: ClinVar variation 4711112 (VCV004711112.1).
Genomic context (GRCh38, chr2:177,482,178, plus strand): 5'-AAGTATGGCTCAGTAGCTTTCCCTAATTTTGAACAAGGAGTAGCCTGTTTAAGAGAAATT[G>T]CAAAACAGGTAAAAGAAAAAATATATATATATACATACATACATATATGTTTATGTATTT-3'
Protein context (NP_003650.1, residues 399-419): EQGVACLREI[Ala409Ser]KQRCAPASIR